The following is an entry in ClinVar:

ClinVar aggregate classification (germline): Uncertain significance. Review status: criteria provided, multiple submitters, no conflicts (2 of 4 stars). 2 submissions from 2 submitters: Uncertain significance (2). Last evaluated 2025-04-11.

Conditions:
Inborn genetic diseases. Identifiers: MedGen C0950123, MeSH D030342.

Allele frequency attached by ClinVar (database versions not stated): gnomAD exomes below 0.00001; ExAC 0.00001; gnomAD 0.00001; 1000 Genomes Project 30x 0.00016; 1000 Genomes Project 0.00020.
gnomAD v4.1: 6 of 1,610,368 alleles (0.00037%); highest among the groups gnomAD compares: Admixed American, 0.01%; no homozygotes.

Submissions (2):

Ambry Genetics
Classification: Uncertain significance for Inborn genetic diseases. Last evaluated: 2025-04-11. Review status: criteria provided, single submitter. Criteria: Ambry Variant Classification Scheme 2023. Collection method: clinical testing. Allele origin: germline.

Labcorp Genetics (formerly Invitae), Labcorp
Classification: Uncertain significance. Last evaluated: 2024-07-15. Review status: criteria provided, single submitter. Criteria: Invitae Variant Classification Sherloc (09022015). Collection method: clinical testing. Allele origin: germline.
Comment: This sequence change replaces phenylalanine, which is neutral and non-polar, with leucine, which is neutral and non-polar, at codon 3 of the RTN4IP1 protein (p.Phe3Leu). This variant is present in population databases (rs536363063, gnomAD 0.009%). This variant has not been reported in the literature in individuals affected with RTN4IP1-related conditions. ClinVar contains an entry for this variant (Variation ID: 2037259). An algorithm developed to predict the effect of missense changes on protein structure and function outputs the following: PolyPhen-2: "Benign". The leucine amino acid residue is found in multiple mammalian species, which suggests that this missense change does not adversely affect protein function. In summary, the available evidence is currently insufficient to determine the role of this variant in disease. Therefore, it has been classified as a Variant of Uncertain Significance.

NM_032730.5(RTN4IP1):c.9T>G (p.Phe3Leu)

Gene: RTN4IP1 (reticulon 4 interacting protein 1; minus strand). Cytogenetic location: 6q21.
Variant type: single nucleotide variant.
Coding change: c.9T>G on transcript NM_032730.5 (MANE Select); coding-DNA position 9, T replaced by G.
Protein change: p.Phe3Leu; replaces phenylalanine 3 with leucine.
Molecular consequence: missense variant. On other transcripts: intron variant (1).
Genome position (GRCh38, 1-based): chr6:106,629,013, A>C on the plus strand (T>G on the coding strand, the complement: RTN4IP1 is on the minus strand). VCF-style: chr6-106629013-A-C. GRCh37 (hg19) VCF-style: chr6-107076888-A-C.
Other names: c.-27+1314T>G (NM_001318746.1); c.9T>G (NM_032730.4); short protein forms F3L.
Identifiers: ClinVar variation 2037259 (VCV002037259.5), dbSNP rs536363063, ClinGen allele CA3944610.
Genomic context (GRCh38, chr6:106,629,013, plus strand): 5'-TTTGCTTCTCCAGAAGCAAACCGCAGTGCATGCATTTCTTCTAAGTACACAAGTCTTCAG[A>C]AATTCCATTGTAAACACTGGTTGAACTGCGTGCTCAAATTCAAATACACTTGGACTGGAT-3'
Protein context (NP_116119.2, residues 1-13): ME[Phe3Leu]LKTCVLRRNA